The following is an entry in ClinVar:

NM_152564.5(VPS13B):c.10720A>C (p.Ile3574Leu)

Gene: VPS13B (vacuolar protein sorting 13 homolog B; plus strand). Cytogenetic location: 8q22.2.
Variant type: single nucleotide variant.
Coding change: c.10720A>C on transcript NM_152564.5 (MANE Select); coding-DNA position 10720, A replaced by C.
Protein change: p.Ile3574Leu; replaces isoleucine 3574 with leucine.
Molecular consequence: missense variant.
Genome position (GRCh38, 1-based): chr8:99,854,109, A>C. VCF-style: chr8-99854109-A-C. GRCh37 (hg19) VCF-style: chr8-100866337-A-C.
Other names: c.10795A>C, p.Ile3599Leu (NM_017890.5); short protein forms I3599L, I3574L.
Identifiers: ClinVar variation 1785586 (VCV001785586.2), dbSNP rs1816431236, ClinGen allele CA371785495.

ClinVar aggregate classification (germline): Uncertain significance (1 of 4 stars; one submission).

Conditions:
Inborn genetic diseases. Identifiers: MedGen C0950123, MeSH D030342.

Submission:

Ambry Genetics
Classification: Uncertain significance for Inborn genetic diseases. Last evaluated: 2017-06-12. Review status: criteria provided, single submitter. Criteria: Ambry Variant Classification Scheme 2023. Collection method: clinical testing. Allele origin: germline.
Comment: The p.I3599L variant (also known as c.10795A>C), located in coding exon 55 of the VPS13B gene, results from an A to C substitution at nucleotide position 10795. The isoleucine at codon 3599 is replaced by leucine, an amino acid with highly similar properties. This amino acid position is well conserved in available vertebrate species; however, valine is the reference amino acid in other vertebrate species. In addition, the in silico prediction for this alteration is inconclusive. Since supporting evidence is limited at this time, the clinical significance of this alteration remains unclear.